The following is an entry in ClinVar:

ClinVar aggregate classification (germline): Uncertain significance (1 of 4 stars; one submission).

Conditions:
Inborn genetic diseases. Identifiers: MedGen C0950123, MeSH D030342.

gnomAD v4.1: 14 of 1,535,250 alleles (0.00091%); highest among the groups gnomAD compares: Admixed American, 0.023%; no homozygotes.

Submission:

Ambry Genetics
Classification: Uncertain significance for Inborn genetic diseases. Last evaluated: 2024-11-24. Review status: criteria provided, single submitter. Criteria: Ambry Variant Classification Scheme 2023. Collection method: clinical testing. Allele origin: germline.
Comment: The p.R50L variant (also known as c.149G>T), located in coding exon 1 of the SH2B3 gene, results from a G to T substitution at nucleotide position 149. The arginine at codon 50 is replaced by leucine, an amino acid with dissimilar properties. This amino acid position is conserved. In addition, this alteration is predicted to be tolerated by in silico analysis. Based on the available evidence, the clinical significance of this variant remains unclear.

NM_005475.3(SH2B3):c.149G>T (p.Arg50Leu)

Gene: SH2B3 (SH2B adaptor protein 3; plus strand). Cytogenetic location: 12q24.12.
Variant type: single nucleotide variant.
Coding change: c.149G>T on transcript NM_005475.3 (MANE Select); coding-DNA position 149, G replaced by T.
Protein change: p.Arg50Leu; replaces arginine 50 with leucine.
Molecular consequence: missense variant.
Genome position (GRCh38, 1-based): chr12:111,418,294, G>T. VCF-style: chr12-111418294-G-T. GRCh37 (hg19) VCF-style: chr12-111856098-G-T.
Other names: short protein forms R50L.
Identifiers: ClinVar variation 2355831 (VCV002355831.3), dbSNP rs745914275, ClinGen allele CA6789627.
Genomic context (GRCh38, chr12:111,418,294, plus strand): 5'-GTGAGTTGCACGCCGTAGCGGCGGCCCGGGAGCTGGCCCGCCAGTACTGGCTGTTCGCCC[G>T]GGAGCATCCGCAGCACGCGCCGCTGCGCGCCGAGCTGGTGTCGCTGCAGTTCACCGACCT-3'
Protein context (NP_005466.1, residues 40-60): ELARQYWLFA[Arg50Leu]EHPQHAPLRA